The following is an entry in ClinVar:

NM_001276270.2(MBD4):c.3G>T (p.Met1Ile)

Genes: MBD4 (methyl-CpG binding domain 4, DNA glycosylase; minus strand), LOC129937550 (ATAC-STARR-seq lymphoblastoid active region 20512; plus strand). Cytogenetic location: 3q21.3.
Variant type: single nucleotide variant.
Coding change: c.3G>T on transcript NM_001276270.2 (MANE Select); coding-DNA position 3, G replaced by T.
Protein change: p.Met1Ile; changes the start codon (methionine 1).
Molecular consequence: missense variant, initiator codon variant.
Genome position (GRCh38, 1-based): chr3:129,439,831, C>A on the plus strand (G>T on the coding strand, the complement: MBD4 is on the minus strand). VCF-style: chr3-129439831-C-A. GRCh37 (hg19) VCF-style: chr3-129158674-C-A.
Other names: c.3G>T, p.Met1Ile (NM_001276271.2, NM_001276272.2, NM_001276273.2 and 1 more transcripts); short protein forms M1I.
Identifiers: ClinVar variation 3870920 (VCV003870920.1).

ClinVar aggregate classification (germline): Likely pathogenic (1 of 4 stars; one submission).

Conditions:
Inborn genetic diseases. Identifiers: MedGen C0950123, MeSH D030342.

Submission:

Ambry Genetics
Classification: Likely pathogenic for Inborn genetic diseases. Last evaluated: 2025-02-19. Review status: criteria provided, single submitter. Criteria: Ambry Variant Classification Scheme 2023. Collection method: clinical testing. Allele origin: germline.
Comment: The p.M1? variant (also known as c.3G>T) is located in coding exon 1 of the MBD4 gene and results from a G to T substitution at nucleotide position 3. This alters the methionine residue at the initiation codon (ATG). This variant is considered to be rare based on population cohorts in the Genome Aggregation Database (gnomAD). Sequence variations that modify the initiation codon are expected to result in either loss of translation initiation, N-terminal truncation, or cause a shift in the mRNA reading frame. Based on the majority of available evidence to date, this variant is likely to be pathogenic.